The following is an entry in ClinVar:

ClinVar aggregate classification (germline): Benign (1 of 4 stars; one submission).

Conditions:
Pyruvate dehydrogenase E1-alpha deficiency (PDHAD). Also called: ATAXIA, INTERMITTENT, WITH PYRUVATE DEHYDROGENASE DEFICIENCY; ATAXIA WITH LACTIC ACIDOSIS I; ATAXIA, INTERMITTENT, WITH ABNORMAL PYRUVATE METABOLISM; Ataxia, intermittent, with pyruvate dehydrogenase, or decarboxylase, deficiency. Identifiers: Orphanet 79243, MedGen C1839413, MONDO:0010717, OMIM 312170.

Allele frequency attached by ClinVar (database versions not stated): gnomAD exomes 0.00018; 1000 Genomes Project 30x 0.00104; 1000 Genomes Project 0.00106; gnomAD 0.00187 and 0.00208; TOPMed 0.00225.
gnomAD v4.1: 242 of 297,630 alleles (0.081%); highest among the groups gnomAD compares: African/African-American, 0.62%; 1 homozygote.

Submission:

Illumina Laboratory Services, Illumina
Classification: Benign for Pyruvate dehydrogenase E1-alpha deficiency. Last evaluated: 2018-01-13. Review status: criteria provided, single submitter. Criteria: ICSL Variant Classification Criteria 13 December 2019. Collection method: clinical testing. Allele origin: germline.
Comment: This variant was observed in the ICSL laboratory as part of a predisposition screen in an ostensibly healthy population. It had not been previously curated by ICSL or reported in the Human Gene Mutation Database (HGMD: prior to June 1st, 2018), and was therefore a candidate for classification through an automated scoring system. Utilizing variant allele frequency, disease prevalence and penetrance estimates, and inheritance mode, an automated score was calculated to assess if this variant is too frequent to cause the disease. Based on the score and internal cut-off values, a variant classified as benign is not then subjected to further curation. The score for this variant resulted in a classification of benign for this disease.

NM_000284.4(PDHA1):c.*857A>G

Genes: PDHA1 (pyruvate dehydrogenase E1 subunit alpha 1; plus strand), MAP3K15 (mitogen-activated protein kinase kinase kinase 15; minus strand). Cytogenetic location: Xp22.12.
Variant type: single nucleotide variant.
Coding change: c.*857A>G on transcript NM_000284.4 (MANE Select); 857 bases downstream of the stop codon, A replaced by G.
Molecular consequence: 3 prime UTR variant.
Genome position (GRCh38, 1-based): chrX:19,360,510, A>G. VCF-style: chrX-19360510-A-G. GRCh37 (hg19) VCF-style: chrX-19378628-A-G.
Other names: c.*239T>C (NM_001001671.4); c.*857A>G (NM_001173454.2, NM_001173455.2, NM_001173456.2).
Identifiers: ClinVar variation 914465 (VCV000914465.4), dbSNP rs182836908, ClinGen allele CA327032188.